The following is an entry in ClinVar:

NM_025179.4(PLXNA2):c.5022C>T (p.Ser1674=)

Gene: PLXNA2 (plexin A2; minus strand). Cytogenetic location: 1q32.2.
Variant type: single nucleotide variant.
Coding change: c.5022C>T on transcript NM_025179.4 (MANE Select); coding-DNA position 5022, C replaced by T.
Protein change: p.Ser1674=; no amino-acid change (serine 1674 retained).
Molecular consequence: synonymous variant.
Genome position (GRCh38, 1-based): chr1:208,033,352, G>A on the plus strand (C>T on the coding strand, the complement: PLXNA2 is on the minus strand). VCF-style: chr1-208033352-G-A. GRCh37 (hg19) VCF-style: chr1-208206697-G-A.
Identifiers: ClinVar variation 3354214 (VCV003354214.2).

ClinVar aggregate classification (germline): Likely benign. Review status: criteria provided, single submitter (1 of 4 stars). 2 submissions from 2 submitters: Likely benign (1). 1 of the submissions does not count toward it. Last evaluated 2026-01-08.

Conditions:
PLXNA2-related disorder. Also called: PLXNA2-related condition.

gnomAD v4.1: 24 of 1,613,842 alleles (0.0015%); highest among the groups gnomAD compares: South Asian, 0.0055%; 1 homozygote.

Submissions (2):

Labcorp Genetics (formerly Invitae), Labcorp
Classification: Likely benign. Last evaluated: 2026-01-08. Review status: criteria provided, single submitter. Criteria: Invitae Variant Classification Sherloc (09022015). Collection method: clinical testing. Allele origin: germline.

PreventionGenetics, part of Exact Sciences
Classification: Likely benign for PLXNA2-related condition. Last evaluated: 2022-06-15. Review status: no assertion criteria provided. Collection method: clinical testing. Allele origin: germline. Not counted in ClinVar's aggregate classification.
Comment: This variant is classified as likely benign based on ACMG/AMP sequence variant interpretation guidelines (Richards et al. 2015 PMID: 25741868, with internal and published modifications).